The following is an entry in ClinVar:

ClinVar aggregate classification (germline): Uncertain significance. Review status: criteria provided, single submitter (1 of 4 stars). 2 submissions from 2 submitters: Uncertain significance (1). 1 of the submissions does not count toward it. Last evaluated 2024-07-11.

Conditions:
Biotinidase deficiency. Also called: BTD deficiency; Late-onset biotin-responsive multiple carboxylase deficiency; Biotin deficiency. Identifiers: Orphanet 79241, MedGen C0220754, MONDO:0009665, OMIM 253260.

Submissions (2):

Labcorp Genetics (formerly Invitae), Labcorp
Classification: Uncertain significance for Biotinidase deficiency. Last evaluated: 2024-07-11. Review status: criteria provided, single submitter. Criteria: Invitae Variant Classification Sherloc (09022015). Collection method: clinical testing. Allele origin: germline.
Comment: This sequence change replaces valine, which is neutral and non-polar, with glutamic acid, which is acidic and polar, at codon 417 of the BTD protein (p.Val417Glu). This variant is present in population databases (no rsID available, gnomAD 0.002%). This missense change has been observed in individual(s) with biotinidase deficiency (PMID: 19757147, 30616616). ClinVar contains an entry for this variant (Variation ID: 1411643). An algorithm developed to predict the effect of missense changes on protein structure and function (PolyPhen-2) suggests that this variant is likely to be disruptive. In summary, the available evidence is currently insufficient to determine the role of this variant in disease. Therefore, it has been classified as a Variant of Uncertain Significance.

Natera, Inc.
Classification: Uncertain significance for Biotinidase deficiency. Last evaluated: 2024-05-02. Review status: no assertion criteria provided. Collection method: clinical testing. Allele origin: germline. Not counted in ClinVar's aggregate classification.

Literature cited by the submitters: PubMed 19757147 (cited by Labcorp Genetics (formerly Invitae), Labcorp); PubMed 30616616 (cited by Labcorp Genetics (formerly Invitae), Labcorp).

NM_001370658.1(BTD):c.1190_1191delinsAG (p.Val397Glu)

Gene: BTD (biotinidase; plus strand). Cytogenetic location: 3p25.1.
Variant type: Indel.
Coding change: c.1190_1191delinsAG on transcript NM_001370658.1 (MANE Select); coding-DNA positions 1190 to 1191, TC replaced by AG.
Protein change: p.Val397Glu; replaces valine 397 with glutamic acid.
Molecular consequence: missense variant. On other transcripts: intron variant (2).
Genome position (GRCh38, 1-based): chr3:15,645,106-15,645,107, TC replaced by AG. VCF-style: chr3-15645106-TC-AG. GRCh37 (hg19) VCF-style: chr3-15686613-TC-AG.
Other names: c.1190_1191delTCinsAG, p.Val397Glu (NM_001407367.1, NM_001407368.1, NM_001407369.1 and 15 more transcripts); c.1250_1251delTCinsAG, p.Val417Glu (NM_000060.4); c.1190_1191delinsAG, p.Val397Glu (NM_001281724.3); c.1015+175_1015+176delinsAG (NM_001370752.1); c.399+3049_399+3050delinsAG (NM_001370753.1); c.1250_1251delinsAG (NM_000060.4); short protein forms V397E, V417E.
Identifiers: ClinVar variation 1411643 (VCV001411643.7), dbSNP rs2125504798, ClinGen allele CA913203572.